The following is an entry in ClinVar:

ClinVar aggregate classification (germline): Likely benign. Review status: criteria provided, single submitter (1 of 4 stars). 2 submissions from 2 submitters: Likely benign (1). 1 of the submissions does not count toward it. Last evaluated 2023-09-22.

Conditions:
PKHD1-related disorder. Also called: PKHD1-related condition.
Autosomal recessive polycystic kidney disease (ARPKD). Also called: AR polycystic kidney disease. Identifiers: Orphanet 731, Orphanet 8378, MedGen C0085548, MeSH D017044, MONDO:0009889.

Allele frequency attached by ClinVar (database versions not stated): TOPMed below 0.00001; gnomAD exomes 0.00001 and 0.00002; ExAC 0.00002.
gnomAD v4.1: 7 of 1,612,940 alleles (0.00043%); highest among the groups gnomAD compares: Admixed American, 0.01%; no homozygotes.

Submissions (2):

Labcorp Genetics (formerly Invitae), Labcorp
Classification: Likely benign for Autosomal recessive polycystic kidney disease. Last evaluated: 2023-09-22. Review status: criteria provided, single submitter. Criteria: Invitae Variant Classification Sherloc (09022015). Collection method: clinical testing. Allele origin: germline.

PreventionGenetics, part of Exact Sciences
Classification: Likely benign for PKHD1-related condition. Last evaluated: 2024-03-08. Review status: no assertion criteria provided. Collection method: clinical testing. Allele origin: germline. Not counted in ClinVar's aggregate classification.
Comment: This variant is classified as likely benign based on ACMG/AMP sequence variant interpretation guidelines (Richards et al. 2015 PMID: 25741868, with internal and published modifications).

NM_138694.4(PKHD1):c.6474G>A (p.Glu2158=)

Gene: PKHD1 (PKHD1 ciliary IPT domain containing fibrocystin/polyductin; minus strand). Cytogenetic location: 6p12.2.
Variant type: single nucleotide variant.
Coding change: c.6474G>A on transcript NM_138694.4 (MANE Select); coding-DNA position 6474, G replaced by A.
Protein change: p.Glu2158=; no amino-acid change (glutamic acid 2158 retained).
Molecular consequence: synonymous variant.
Genome position (GRCh38, 1-based): chr6:51,911,815, C>T on the plus strand (G>A on the coding strand, the complement: PKHD1 is on the minus strand). VCF-style: chr6-51911815-C-T. GRCh37 (hg19) VCF-style: chr6-51776613-C-T.
Other names: c.6474G>A, p.Glu2158= (NM_170724.3).
Identifiers: ClinVar variation 702148 (VCV000702148.12), dbSNP rs758723076, ClinGen allele CA3852255.